The following is an entry in ClinVar:

ClinVar aggregate classification (germline): Uncertain significance (1 of 4 stars; one submission).

gnomAD v4.1: 1 of 1,578,274 alleles (0.000063%); highest among the groups gnomAD compares: South Asian, 0.0011%; no homozygotes.

Submission:

CeGaT Center for Human Genetics Tuebingen
Classification: Uncertain significance. Last evaluated: 2024-07-01. Review status: criteria provided, single submitter. Criteria: CeGaT Center For Human Genetics Tuebingen Variant Classification Criteria Version 2. Collection method: clinical testing. Allele origin: germline. Affected: yes. Observed: 1 variant allele.
Comment: ZBTB7A: PM2, PP2

NM_015898.4(ZBTB7A):c.459C>A (p.Asn153Lys)

Gene: ZBTB7A (zinc finger and BTB domain containing 7A; minus strand). Cytogenetic location: 19p13.3.
Variant type: single nucleotide variant.
Coding change: c.459C>A on transcript NM_015898.4 (MANE Select); coding-DNA position 459, C replaced by A.
Protein change: p.Asn153Lys; replaces asparagine 153 with lysine.
Molecular consequence: missense variant.
Genome position (GRCh38, 1-based): chr19:4,054,774, G>T on the plus strand (C>A on the coding strand, the complement: ZBTB7A is on the minus strand). VCF-style: chr19-4054774-G-T. GRCh37 (hg19) VCF-style: chr19-4054772-G-T.
Other names: c.459C>A, p.Asn153Lys (NM_001317990.2); short protein forms N153K.
Identifiers: ClinVar variation 3257478 (VCV003257478.17).